The following is an entry in ClinVar:

NM_004168.4(SDHA):c.1399T>A (p.Cys467Ser)

Gene: SDHA (succinate dehydrogenase complex flavoprotein subunit A; plus strand). Cytogenetic location: 5p15.33.
Variant type: single nucleotide variant.
Coding change: c.1399T>A on transcript NM_004168.4 (MANE Select); coding-DNA position 1399, T replaced by A.
Protein change: p.Cys467Ser; replaces cysteine 467 with serine.
Molecular consequence: missense variant.
Genome position (GRCh38, 1-based): chr5:236,566, T>A. VCF-style: chr5-236566-T-A. GRCh37 (hg19) VCF-style: chr5-236681-T-A.
Other names: c.1255T>A, p.Cys419Ser (NM_001294332.2); c.1399T>A, p.Cys467Ser (NM_001330758.2); short protein forms C419S, C467S.
Identifiers: ClinVar variation 1692758 (VCV001692758.1), dbSNP rs1315131938, ClinGen allele CA359014072.
Genomic context (GRCh38, chr5:236,566, plus strand): 5'-CATGGTGCCAACCGCCTCGGGGCAAACTCGCTCTTGGACCTGGTTGTCTTTGGTCGGGCA[T>A]GTGCCCTGAGCATCGAAGAGTCATGCAGGCCTGGTAAGTGTTTTCTTCAGGAGCCAGACT-3'
Protein context (NP_004159.2, residues 457-477): LLDLVVFGRA[Cys467Ser]ALSIEESCRP

ClinVar aggregate classification (germline): Uncertain significance (1 of 4 stars; one submission).

Conditions:
Hereditary cancer-predisposing syndrome. Also called: Hereditary neoplastic syndrome; Tumor predisposition; Neoplastic Syndromes, Hereditary; Hereditary Cancer Syndrome. Identifiers: Orphanet 140162, MedGen C0027672, MeSH D009386, MONDO:0015356.

Submission:

Sema4
Classification: Uncertain significance for Hereditary cancer-predisposing syndrome. Last evaluated: 2022-01-21. Review status: criteria provided, single submitter. Criteria: Sema4 Curation Guidelines. Collection method: curation. Allele origin: germline.
Comment: To the best of our knowledge, the SDHA c.1399T>A (p.C467S) variant has not been reported in individuals with SDHA-related disease. It was not observed in the large and broad cohorts of the Genome Aggregation Database (PMID: 32461654), nor has it been reported in ClinVar. Functional studies have not been performed, and in silico predictions of the variant's effect on protein function are inconclusive. The evidence is insufficient to meet ACMG/AMP criteria for classifying the variant as benign or pathogenic. Thus, the clinical significance of this variant is currently uncertain.